The following is an entry in ClinVar:

ClinVar aggregate classification (germline): Uncertain significance (1 of 4 stars; one submission).

Conditions:
Cardiovascular phenotype. Identifiers: MedGen CN230736.

Submission:

Ambry Genetics
Classification: Uncertain significance for Cardiovascular phenotype. Last evaluated: 2023-04-04. Review status: criteria provided, single submitter. Criteria: Ambry Variant Classification Scheme 2023. Collection method: clinical testing. Allele origin: germline.
Comment: The p.Q1716H variant (also known as c.5148G>T), located in coding exon 32 of the MYH6 gene, results from a G to T substitution at nucleotide position 5148. The glutamine at codon 1716 is replaced by histidine, an amino acid with highly similar properties. This amino acid position is well conserved in available vertebrate species. In addition, this alteration is predicted to be tolerated by in silico analysis. Since supporting evidence is limited at this time, the clinical significance of this alteration remains unclear.

NM_002471.4(MYH6):c.5148G>T (p.Gln1716His)

Genes: MYH6 (myosin heavy chain 6; minus strand), LOC126861896 (BRD4-independent group 4 enhancer GRCh37_chr14:23854904-23856103; plus strand). Cytogenetic location: 14q11.2.
Variant type: single nucleotide variant.
Coding change: c.5148G>T on transcript NM_002471.4 (MANE Select); coding-DNA position 5148, G replaced by T.
Protein change: p.Gln1716His; replaces glutamine 1716 with histidine.
Molecular consequence: missense variant.
Genome position (GRCh38, 1-based): chr14:23,385,943, C>A on the plus strand (G>T on the coding strand, the complement: MYH6 is on the minus strand). VCF-style: chr14-23385943-C-A. GRCh37 (hg19) VCF-style: chr14-23855152-C-A.
Other names: short protein forms Q1716H.
Identifiers: ClinVar variation 2567193 (VCV002567193.2), dbSNP rs936703258, ClinGen allele CA257778324.